The following is an entry in ClinVar:

ClinVar aggregate classification (germline): Uncertain significance. Review status: criteria provided, multiple submitters, no conflicts (2 of 4 stars). 2 submissions from 2 submitters: Uncertain significance (2). Last evaluated 2025-05-14.

gnomAD v4.1: 5 of 1,549,654 alleles (0.00032%); highest among the groups gnomAD compares: East Asian, 0.0072%; no homozygotes.

Submissions (2):

GeneDx
Classification: Uncertain significance. Last evaluated: 2025-05-14. Review status: criteria provided, single submitter. Criteria: GeneDx Variant Classification Process June 2021. Collection method: clinical testing. Allele origin: germline. Affected: yes.
Comment: In silico analysis supports that this missense variant has a deleterious effect on protein structure/function; Has not been previously published as pathogenic or benign to our knowledge; Variants in candidate genes are classified as variants of uncertain significance in accordance with ACMG guidelines (PMID: 25741868)

Ambry Genetics
Classification: Uncertain significance. Last evaluated: 2024-07-17. Review status: criteria provided, single submitter. Criteria: Ambry Variant Classification Scheme 2023. Collection method: clinical testing. Allele origin: germline.

NM_032805.3(ZSCAN10):c.1589C>A (p.Ala530Asp)

Gene: ZSCAN10 (zinc finger and SCAN domain containing 10; minus strand). Cytogenetic location: 16p13.3.
Variant type: single nucleotide variant.
Coding change: c.1589C>A on transcript NM_032805.3 (MANE Select); coding-DNA position 1589, C replaced by A.
Protein change: p.Ala530Asp; replaces alanine 530 with aspartic acid.
Molecular consequence: missense variant.
Genome position (GRCh38, 1-based): chr16:3,089,845, G>T on the plus strand (C>A on the coding strand, the complement: ZSCAN10 is on the minus strand). VCF-style: chr16-3089845-G-T. GRCh37 (hg19) VCF-style: chr16-3139846-G-T.
Other names: c.407C>A, p.Ala136Asp (NM_001282415.2, NM_001365273.1); c.1178C>A, p.Ala393Asp (NM_001282416.2); c.1043C>A, p.Ala348Asp (NM_001365272.1); c.1589C>A (NM_032805.2); short protein forms A393D, A348D, A136D, A530D.
Identifiers: ClinVar variation 3479292 (VCV003479292.2).